The following is an entry in ClinVar:

NM_000059.4(BRCA2):c.1379A>G (p.Asn460Ser)

Gene: BRCA2 (BRCA2 DNA repair associated; plus strand). Cytogenetic location: 13q13.1.
Variant type: single nucleotide variant.
Coding change: c.1379A>G on transcript NM_000059.4 (MANE Select); coding-DNA position 1379, A replaced by G.
Protein change: p.Asn460Ser; replaces asparagine 460 with serine.
Molecular consequence: missense variant.
Genome position (GRCh38, 1-based): chr13:32,332,857, A>G. VCF-style: chr13-32332857-A-G. GRCh37 (hg19) VCF-style: chr13-32906994-A-G.
Other names: short protein forms N460S.
Identifiers: ClinVar variation 628299 (VCV000628299.7), dbSNP rs777093572, ClinGen allele CA6940516.

ClinVar aggregate classification (germline): Conflicting classifications of pathogenicity. Review status: criteria provided, conflicting classifications (1 of 4 stars). 3 submissions from 3 submitters: Uncertain significance (2); Likely benign (1). Last evaluated 2023-08-14.

Conditions:
Hereditary cancer-predisposing syndrome. Also called: Neoplastic Syndromes, Hereditary; Tumor predisposition; Hereditary neoplastic syndrome; Hereditary Cancer Syndrome. Identifiers: Orphanet 140162, MedGen C0027672, MeSH D009386, MONDO:0015356.

Allele frequency attached by ClinVar (database versions not stated): gnomAD exomes below 0.00001; ExAC 0.00001.

Submissions (3):

Ambry Genetics
Classification: Uncertain significance for Hereditary cancer-predisposing syndrome. Last evaluated: 2023-08-14. Review status: criteria provided, single submitter. Criteria: Ambry Variant Classification Scheme 2023. Collection method: clinical testing. Allele origin: germline.
Comment: The p.N460S variant (also known as c.1379A>G), located in coding exon 9 of the BRCA2 gene, results from an A to G substitution at nucleotide position 1379. The asparagine at codon 460 is replaced by serine, an amino acid with highly similar properties. This amino acid position is not well conserved in available vertebrate species. In addition, this alteration is predicted to be tolerated by in silico analysis. Since supporting evidence is limited at this time, the clinical significance of this alteration remains unclear.

University of Washington Department of Laboratory Medicine, University of Washington
Classification: Likely benign for Hereditary cancer-predisposing syndrome. Last evaluated: 2023-03-23. Review status: criteria provided, single submitter. Criteria: Dines et al. (Genet Med. 2020). Collection method: curation. Allele origin: germline.
Comment: Missense variant in a coldspot region where missense variants are very unlikely to be pathogenic (PMID:31911673).

BRCA2 exon 10 coldspot. Reclassification based on statistical prior probability.

Color Diagnostics, LLC DBA Color Health
Classification: Uncertain significance for Hereditary cancer-predisposing syndrome. Last evaluated: 2019-06-20. Review status: criteria provided, single submitter. Criteria: ACMG Guidelines, 2015. Collection method: clinical testing. Allele origin: germline.